The following is an entry in ClinVar:

NM_001351169.2(NT5C2):c.1371T>A (p.Tyr457Ter)

Gene: NT5C2 (5'-nucleotidase, cytosolic II; minus strand). Cytogenetic location: 10q24.32.
Variant type: single nucleotide variant.
Coding change: c.1371T>A on transcript NM_001351169.2 (MANE Select); coding-DNA position 1371, T replaced by A.
Protein change: p.Tyr457Ter; replaces tyrosine 457 with a stop codon.
Molecular consequence: nonsense.
Genome position (GRCh38, 1-based): chr10:103,090,689, A>T on the plus strand (T>A on the coding strand, the complement: NT5C2 is on the minus strand). VCF-style: chr10-103090689-A-T. GRCh37 (hg19) VCF-style: chr10-104850446-A-T.
Other names: c.1371T>A, p.Tyr457Ter (NM_001134373.3, NM_012229.5); c.1395T>A, p.Tyr465Ter (NM_001351170.2, NM_001351171.2, NM_001351172.2 and 1 more transcripts); c.1284T>A, p.Tyr428Ter (NM_001351174.1); c.1278T>A, p.Tyr426Ter (NM_001351175.2); c.798T>A, p.Tyr266Ter (NM_001351176.2, NM_001351177.2, NM_001351178.2 and 16 more transcripts); c.657T>A, p.Tyr219Ter (NM_001351194.2, NM_001351195.2, NM_001351196.2); short protein forms Y266*, Y465*, Y426*, Y428*, Y219*, Y457*.
Identifiers: ClinVar variation 952332 (VCV000952332.7), dbSNP rs1419090736, ClinGen allele CA377968978.

ClinVar aggregate classification (germline): Pathogenic (1 of 4 stars; one submission).

Conditions:
Hereditary spastic paraplegia 45. Also called: SPASTIC PARAPLEGIA 45; Spastic paraplegia 45, autosomal recessive. Identifiers: Orphanet 320396, MedGen C3888209, MONDO:0013165, OMIM 613162.

gnomAD v4.1: 1 of 1,614,242 alleles (0.000062%); highest among the groups gnomAD compares: Non-Finnish European, 0.000085%; no homozygotes.

Submission:

Labcorp Genetics (formerly Invitae), Labcorp
Classification: Pathogenic for Hereditary spastic paraplegia 45. Last evaluated: 2019-05-30. Review status: criteria provided, single submitter. Criteria: Invitae Variant Classification Sherloc (09022015). Collection method: clinical testing. Allele origin: germline.
Comment: This variant is not present in population databases (ExAC no frequency). For these reasons, this variant has been classified as Pathogenic. Loss-of-function variants in NT5C2 are known to be pathogenic (PMID: 24482476). This variant has not been reported in the literature in individuals with NT5C2-related conditions. This sequence change creates a premature translational stop signal (p.Tyr457*) in the NT5C2 gene. It is expected to result in an absent or disrupted protein product.

Literature cited by the submitters: PubMed 24482476.